The following is an entry in ClinVar:

ClinVar aggregate classification (germline): Uncertain significance. Review status: criteria provided, multiple submitters, no conflicts (2 of 4 stars). 2 submissions from 2 submitters: Uncertain significance (2). Last evaluated 2025-12-17.

Conditions:
Hereditary cancer-predisposing syndrome. Also called: Hereditary Cancer Syndrome; Hereditary neoplastic syndrome; Neoplastic Syndromes, Hereditary; Tumor predisposition. Identifiers: Orphanet 140162, MedGen C0027672, MeSH D009386, MONDO:0015356.

Submissions (2):

Labcorp Genetics (formerly Invitae), Labcorp
Classification: Uncertain significance. Last evaluated: 2025-12-17. Review status: criteria provided, single submitter. Criteria: Invitae Variant Classification Sherloc (09022015). Collection method: clinical testing. Allele origin: germline.
Comment: This sequence change replaces proline, which is neutral and non-polar, with leucine, which is neutral and non-polar, at codon 227 of the POLE protein (p.Pro227Leu). This variant is not present in population databases (gnomAD no frequency). This variant has not been reported in the literature in individuals affected with POLE-related conditions. ClinVar contains an entry for this variant (Variation ID: 405622). Invitae Evidence Modeling of protein sequence and biophysical properties (such as structural, functional, and spatial information, amino acid conservation, physicochemical variation, residue mobility, and thermodynamic stability) indicates that this missense variant is not expected to disrupt POLE protein function with a negative predictive value of 80%. In summary, the available evidence is currently insufficient to determine the role of this variant in disease. Therefore, it has been classified as a Variant of Uncertain Significance.

Ambry Genetics
Classification: Uncertain significance for Hereditary cancer-predisposing syndrome. Last evaluated: 2025-03-28. Review status: criteria provided, single submitter. Criteria: Ambry Variant Classification Scheme 2023. Collection method: clinical testing. Allele origin: germline.
Comment: The p.P227L variant (also known as c.680C>T), located in coding exon 7 of the POLE gene, results from a C to T substitution at nucleotide position 680. The proline at codon 227 is replaced by leucine, an amino acid with similar properties. This amino acid position is conserved. In addition, the in silico prediction for this alteration is inconclusive. Based on the available evidence, the clinical significance of this variant remains unclear.

NM_006231.4(POLE):c.680C>T (p.Pro227Leu)

Gene: POLE (DNA polymerase epsilon, catalytic subunit; minus strand). Cytogenetic location: 12q24.33.
Variant type: single nucleotide variant.
Coding change: c.680C>T on transcript NM_006231.4 (MANE Select); coding-DNA position 680, C replaced by T.
Protein change: p.Pro227Leu; replaces proline 227 with leucine.
Molecular consequence: missense variant.
Genome position (GRCh38, 1-based): chr12:132,677,618, G>A on the plus strand (C>T on the coding strand, the complement: POLE is on the minus strand). VCF-style: chr12-132677618-G-A. GRCh37 (hg19) VCF-style: chr12-133254204-G-A.
Other names: c.680C>T (NM_006231.2); short protein forms P227L.
Identifiers: ClinVar variation 405622 (VCV000405622.10), dbSNP rs1060500784, ClinGen allele CA16613913.